The following is an entry in ClinVar:

NM_001197104.2(KMT2A):c.3796C>T (p.Pro1266Ser)

Gene: KMT2A (lysine methyltransferase 2A; plus strand). Cytogenetic location: 11q23.3.
Variant type: single nucleotide variant.
Coding change: c.3796C>T on transcript NM_001197104.2 (MANE Select); coding-DNA position 3796, C replaced by T.
Protein change: p.Pro1266Ser; replaces proline 1266 with serine.
Molecular consequence: missense variant.
Genome position (GRCh38, 1-based): chr11:118,481,876, C>T. VCF-style: chr11-118481876-C-T. GRCh37 (hg19) VCF-style: chr11-118352591-C-T.
Other names: c.3895C>T, p.Pro1299Ser (NM_001412597.1); c.3796C>T, p.Pro1266Ser (NM_005933.4); short protein forms P1299S, P1266S.
Identifiers: ClinVar variation 3007538 (VCV003007538.5), dbSNP rs370374383, ClinGen allele CA6303726.

ClinVar aggregate classification (germline): Uncertain significance. Review status: criteria provided, single submitter (1 of 4 stars). 2 submissions from 2 submitters: Uncertain significance (1). 1 of the submissions does not count toward it. Last evaluated 2025-12-19.

Conditions:
KMT2A-related disorder. Also called: KMT2A-related condition.

Allele frequency attached by ClinVar (database versions not stated): ExAC 0.00002; TOPMed 0.00003; ESP Exome Variant Server 0.00008; gnomAD 0.00004; gnomAD exomes 0.00005.
gnomAD v4.1: 76 of 1,614,020 alleles (0.0047%); highest among the groups gnomAD compares: Non-Finnish European, 0.0061%; no homozygotes.

Submissions (2):

Labcorp Genetics (formerly Invitae), Labcorp
Classification: Uncertain significance. Last evaluated: 2025-12-19. Review status: criteria provided, single submitter. Criteria: Invitae Variant Classification Sherloc (09022015). Collection method: clinical testing. Allele origin: germline.
Comment: This sequence change replaces proline, which is neutral and non-polar, with serine, which is neutral and polar, at codon 1266 of the KMT2A protein (p.Pro1266Ser). This variant is present in population databases (rs370374383, gnomAD 0.005%). This variant has not been reported in the literature in individuals affected with KMT2A-related conditions. ClinVar contains an entry for this variant (Variation ID: 3007538). Invitae Evidence Modeling of protein sequence and biophysical properties (such as structural, functional, and spatial information, amino acid conservation, physicochemical variation, residue mobility, and thermodynamic stability) indicates that this missense variant is not expected to disrupt KMT2A protein function with a negative predictive value of 95%. In summary, the available evidence is currently insufficient to determine the role of this variant in disease. Therefore, it has been classified as a Variant of Uncertain Significance.

PreventionGenetics, part of Exact Sciences
Classification: Likely benign for KMT2A-related condition. Last evaluated: 2023-12-19. Review status: no assertion criteria provided. Collection method: clinical testing. Allele origin: germline. Not counted in ClinVar's aggregate classification.
Comment: This variant is classified as likely benign based on ACMG/AMP sequence variant interpretation guidelines (Richards et al. 2015 PMID: 25741868, with internal and published modifications).